The following is an entry in ClinVar:

ClinVar aggregate classification (germline): Uncertain significance. Review status: criteria provided, multiple submitters, no conflicts (2 of 4 stars). 3 submissions from 3 submitters: Uncertain significance (3). Last evaluated 2026-01-14.

Conditions:
Hereditary cancer-predisposing syndrome. Also called: Tumor predisposition; Hereditary neoplastic syndrome; Neoplastic Syndromes, Hereditary; Hereditary Cancer Syndrome. Identifiers: Orphanet 140162, MedGen C0027672, MeSH D009386, MONDO:0015356.
Prostate cancer, hereditary, 9 (HPC9). Identifiers: Orphanet 1331, MedGen C1970250, MONDO:0012597, OMIM 610997.

Submissions (3):

Dasa
Classification: Uncertain significance for Prostate cancer, hereditary, 9. Last evaluated: 2026-01-14. Review status: criteria provided, single submitter. Criteria: DASA Assertion Criteria. Collection method: clinical testing. Allele origin: germline.
Comment: NM_006361.6(HOXB13):c.482A>G (p.Asp161Gly) is a missense variant that results in the substitution of aspartic acid with glycine. This variant is absent from population databases. Computational prediction algorithms are consistent with a deleterious effect. The currently available literature and clinical evidence are not sufficient to establish a definitive association between this variant and the reported condition. Therefore, this variant is classified as a variant of uncertain significance.

Labcorp Genetics (formerly Invitae), Labcorp
Classification: Uncertain significance. Last evaluated: 2025-11-01. Review status: criteria provided, single submitter. Criteria: Invitae Variant Classification Sherloc (09022015). Collection method: clinical testing. Allele origin: germline.
Comment: This sequence change replaces aspartic acid, which is acidic and polar, with glycine, which is neutral and non-polar, at codon 161 of the HOXB13 protein (p.Asp161Gly). This variant is not present in population databases (gnomAD no frequency). This variant has not been reported in the literature in individuals affected with HOXB13-related conditions. ClinVar contains an entry for this variant (Variation ID: 960991). Invitae Evidence Modeling of protein sequence and biophysical properties (such as structural, functional, and spatial information, amino acid conservation, physicochemical variation, residue mobility, and thermodynamic stability) indicates that this missense variant is not expected to disrupt HOXB13 protein function with a negative predictive value of 80%. In summary, the available evidence is currently insufficient to determine the role of this variant in disease. Therefore, it has been classified as a Variant of Uncertain Significance.

Ambry Genetics
Classification: Uncertain significance for Hereditary cancer-predisposing syndrome. Last evaluated: 2025-07-28. Review status: criteria provided, single submitter. Criteria: Ambry Variant Classification Scheme 2023. Collection method: clinical testing. Allele origin: germline.
Comment: The p.D161G variant (also known as c.482A>G), located in coding exon 1 of the HOXB13 gene, results from an A to G substitution at nucleotide position 482. The aspartic acid at codon 161 is replaced by glycine, an amino acid with similar properties. This amino acid position is conserved. In addition, the in silico prediction for this alteration is inconclusive. Based on the available evidence, the clinical significance of this variant remains unclear.

NM_006361.6(HOXB13):c.482A>G (p.Asp161Gly)

Gene: HOXB13 (homeobox B13; minus strand). Cytogenetic location: 17q21.32.
Variant type: single nucleotide variant.
Coding change: c.482A>G on transcript NM_006361.6 (MANE Select); coding-DNA position 482, A replaced by G.
Protein change: p.Asp161Gly; replaces aspartic acid 161 with glycine.
Molecular consequence: missense variant.
Genome position (GRCh38, 1-based): chr17:48,728,112, T>C on the plus strand (A>G on the coding strand, the complement: HOXB13 is on the minus strand). VCF-style: chr17-48728112-T-C. GRCh37 (hg19) VCF-style: chr17-46805474-T-C.
Other names: short protein forms D161G.
Identifiers: ClinVar variation 960991 (VCV000960991.12), dbSNP rs1438115889, ClinGen allele CA400107363.
Genomic context (GRCh38, chr17:48,728,112, plus strand): 5'-TGGCTGTTCCAGCCACCAGCGAGAGCCCAAGACTGGTAACTGTCCACAGGCAACAGGGAG[T>C]CATGTCGCGGTTCTCCAGGAGCACCCAGAGTCTGCACCACAGACACGTCCAGGTAACTGG-3'
Protein context (NP_006352.2, residues 151-171): TLGAPGEPRH[Asp161Gly]SLLPVDSYQS